The following is an entry in ClinVar:

NM_138572.3(TAF8):c.790G>C (p.Gly264Arg)

Gene: TAF8 (TATA-box binding protein associated factor 8; plus strand). Cytogenetic location: 6p21.1.
Variant type: single nucleotide variant.
Coding change: c.790G>C on transcript NM_138572.3 (MANE Select); coding-DNA position 790, G replaced by C.
Protein change: p.Gly264Arg; replaces glycine 264 with arginine.
Molecular consequence: missense variant.
Genome position (GRCh38, 1-based): chr6:42,077,109, G>C. VCF-style: chr6-42077109-G-C. GRCh37 (hg19) VCF-style: chr6-42044847-G-C.
Other names: c.790G>C, p.Gly264Arg (NM_001410906.1, NM_001410907.1); short protein forms G264R.
Identifiers: ClinVar variation 3904798 (VCV003904798.10).

ClinVar aggregate classification (germline): Likely benign (1 of 4 stars; one submission).

gnomAD v4.1: 8,615 of 1,612,434 alleles (0.53%); highest among the groups gnomAD compares: Non-Finnish European, 0.64%; 25 homozygotes.

Submission:

CeGaT Center for Human Genetics Tuebingen
Classification: Likely benign. Last evaluated: 2025-05-01. Review status: criteria provided, single submitter. Criteria: CeGaT Center For Human Genetics Tuebingen Variant Classification Criteria Version 2. Collection method: clinical testing. Allele origin: germline. Affected: yes. Observed: 1 variant allele.
Comment: TAF8: BS2